The following is an entry in ClinVar:

ClinVar aggregate classification (germline): Uncertain significance (1 of 4 stars; one submission).

Conditions:
Inborn genetic diseases. Identifiers: MedGen C0950123, MeSH D030342.

Submission:

Ambry Genetics
Classification: Uncertain significance for Inborn genetic diseases. Last evaluated: 2026-03-07. Review status: criteria provided, single submitter. Criteria: Ambry Variant Classification Scheme 2023. Collection method: clinical testing. Allele origin: germline.
Comment: The p.K216Q variant (also known as c.646A>C), located in coding exon 6 of the CEP57 gene, results from an A to C substitution at nucleotide position 646. The lysine at codon 216 is replaced by glutamine, an amino acid with similar properties. This amino acid position is conserved. In addition, the in silico prediction for this alteration is inconclusive. Based on the available evidence, the clinical significance of this variant remains unclear.

NM_014679.5(CEP57):c.646A>C (p.Lys216Gln)

Gene: CEP57 (centrosomal protein 57; plus strand). Cytogenetic location: 11q21.
Variant type: single nucleotide variant.
Coding change: c.646A>C on transcript NM_014679.5 (MANE Select); coding-DNA position 646, A replaced by C.
Protein change: p.Lys216Gln; replaces lysine 216 with glutamine.
Molecular consequence: missense variant.
Genome position (GRCh38, 1-based): chr11:95,818,851, A>C. VCF-style: chr11-95818851-A-C. GRCh37 (hg19) VCF-style: chr11-95552015-A-C.
Other names: c.466A>C, p.Lys156Gln (NM_001440873.1); c.646A>C, p.Lys216Gln (NM_001440874.1, NM_001243777.2, NM_001440871.1); c.565A>C, p.Lys189Gln (NM_001440875.1, NM_001363604.2, NM_001440869.1 and 1 more transcripts); c.529A>C, p.Lys177Gln (NM_001440876.1, NM_001440879.1, NM_001440872.1 and 1 more transcripts); c.448A>C, p.Lys150Gln (NM_001440877.1, NM_001440878.1); c.385A>C, p.Lys129Gln (NM_001440880.1); c.349A>C, p.Lys117Gln (NM_001440881.1); c.619A>C, p.Lys207Gln (NM_001243776.2); short protein forms K150Q, K156Q, K216Q, K207Q, K117Q, K129Q, K177Q, K189Q.
Identifiers: ClinVar variation 4826390 (VCV004826390.1).
Genomic context (GRCh38, chr11:95,818,851, plus strand): 5'-TTTCACCTTTATCCCTTTTGACATTTTTATCACTAGAAAAAAATGCAAGAGTTGGAAGCA[A>C]AACTCCATGAAGAAGAACAGGAAAGGAAACGCATGCAAGCTAAGGCAGCTGAGGTAAGTT-3'
Protein context (NP_055494.2, residues 206-226): AEKKMQELEA[Lys216Gln]LHEEEQERKR